The following is an entry in ClinVar:

NM_004341.5(CAD):c.560A>G (p.Tyr187Cys)

Gene: CAD (carbamoyl-phosphate synthetase 2, aspartate transcarbamylase, and dihydroorotase; plus strand). Cytogenetic location: 2p23.3.
Variant type: single nucleotide variant.
Coding change: c.560A>G on transcript NM_004341.5 (MANE Select); coding-DNA position 560, A replaced by G.
Protein change: p.Tyr187Cys; replaces tyrosine 187 with cysteine.
Molecular consequence: missense variant.
Genome position (GRCh38, 1-based): chr2:27,222,583, A>G. VCF-style: chr2-27222583-A-G. GRCh37 (hg19) VCF-style: chr2-27445451-A-G.
Other names: p.Tyr187Cys; c.560A>G, p.Tyr187Cys (NM_001306079.2); short protein forms Y187C.
Identifiers: ClinVar variation 1993842 (VCV001993842.5), dbSNP rs2465288886, ClinGen allele CA346199758.

ClinVar aggregate classification (germline): Uncertain significance. Review status: criteria provided, multiple submitters, no conflicts (2 of 4 stars). 2 submissions from 2 submitters: Uncertain significance (2). Last evaluated 2022-12-01.

Allele frequency attached by ClinVar (database versions not stated): gnomAD exomes below 0.00001.

Submissions (2):

Mayo Clinic Laboratories, Mayo Clinic
Classification: Uncertain significance. Last evaluated: 2022-12-01. Review status: criteria provided, single submitter. Criteria: ACMG Guidelines, 2015. Collection method: clinical testing. Allele origin: germline. Observed: 1 variant allele.
Comment: PP3, PM2

Labcorp Genetics (formerly Invitae), Labcorp
Classification: Uncertain significance. Last evaluated: 2022-05-12. Review status: criteria provided, single submitter. Criteria: Invitae Variant Classification Sherloc (09022015). Collection method: clinical testing. Allele origin: germline.
Comment: This sequence change replaces tyrosine, which is neutral and polar, with cysteine, which is neutral and slightly polar, at codon 187 of the CAD protein (p.Tyr187Cys). This variant is not present in population databases (gnomAD no frequency). This variant has not been reported in the literature in individuals affected with CAD-related conditions. Algorithms developed to predict the effect of missense changes on protein structure and function are either unavailable or do not agree on the potential impact of this missense change (SIFT: "Tolerated"; PolyPhen-2: "Probably Damaging"; Align-GVGD: "Class C0"). In summary, the available evidence is currently insufficient to determine the role of this variant in disease. Therefore, it has been classified as a Variant of Uncertain Significance.